The following is an entry in ClinVar:

ClinVar aggregate classification (germline): Pathogenic. Review status: reviewed by expert panel (3 of 4 stars). 3 submissions from 3 submitters: Pathogenic (1). 2 of the submissions do not count toward it. Last evaluated 2017-12-15.

Conditions:
Hereditary cancer-predisposing syndrome. Also called: Neoplastic Syndromes, Hereditary; Hereditary Cancer Syndrome; Hereditary neoplastic syndrome; Tumor predisposition. Identifiers: Orphanet 140162, MedGen C0027672, MeSH D009386, MONDO:0015356.
Hereditary breast ovarian cancer syndrome. Also called: Hereditary breast and ovarian cancer syndrome; Hereditary breast and/or ovarian cancer syndrome; BRCA1- and BRCA2-Associated Hereditary Breast and Ovarian Cancer; Hereditary breast and ovarian cancer; Breast and ovarian cancer; Hereditary breast and ovarian cancer syndrome (HBOC). Identifiers: Orphanet 145, MedGen C0677776, MeSH D061325, MONDO:0003582. Disease mechanism: loss of function.
Breast-ovarian cancer, familial, susceptibility to, 2 (BROVCA2). Also called: BRCA2 Hereditary Breast and Ovarian Cancer. Identifiers: Orphanet 145, MedGen C2675520, MONDO:0012933, OMIM 612555. Disease mechanism: loss of function.

Submissions (3):

Evidence-based Network for the Interpretation of Germline Mutant Alleles (ENIGMA)
Classification: Pathogenic for Breast-ovarian cancer, familial, susceptibility to, 2. Last evaluated: 2017-12-15. Review status: reviewed by expert panel. Criteria: ENIGMA BRCA1/2 Classification Criteria (2017-06-29). Collection method: curation. Allele origin: germline. Study: ENIGMA.
Comment: Variant allele predicted to encode a truncated non-functional protein.

GeneKor MSA
Classification: Pathogenic for Hereditary breast ovarian cancer syndrome. Last evaluated: 2025-05-15. Review status: criteria provided, single submitter. Criteria: ACMG Guidelines, 2015. Collection method: clinical testing. Allele origin: germline. Affected: yes. Not counted in ClinVar's aggregate classification.
Comment: This sequence change causes a frameshift after codon 2279 and leads to the creation of a premature translation stop signal 4 amino acid residues later - p.(Leu2279Serfs*4). This is expected to result in an absent or disrupted protein product. Truncating variants in BRCA2 are known to be pathogenic. This variant is not present in population databases (rs587781480,ExAC no frequency) The mutation database ClinVar contains entries for this variant where it is listed as pathogenic (VCV000141082.4). Based on the classification criteria set by the ACMG and AMP (PMID:25741868) this variant has been classified as Pathogenic.

Ambry Genetics
Classification: Pathogenic for Hereditary cancer-predisposing syndrome. Last evaluated: 2013-11-27. Review status: criteria provided, single submitter. Criteria: Ambry Autosomal Dominant and X-Linked criteria (10/2015). Collection method: clinical testing. Allele origin: germline. Observed: 1 variant allele. Not counted in ClinVar's aggregate classification.

NM_000059.4(BRCA2):c.6836_6837delinsCTTTGTGGTAAGTTT (p.Leu2279delinsSerLeuTrpTer)

Gene: BRCA2 (BRCA2 DNA repair associated; plus strand). Cytogenetic location: 13q13.1.
Variant type: Indel.
Coding change: c.6836_6837delinsCTTTGTGGTAAGTTT on transcript NM_000059.4 (MANE Select); coding-DNA positions 6836 to 6837, TA replaced by CTTTGTGGTAAGTTT.
Protein change: p.Leu2279delinsSerLeuTrpTer.
Molecular consequence: nonsense.
Genome position (GRCh38, 1-based): chr13:32,341,191-32,341,192, TA replaced by CTTTGTGGTAAGTTT. VCF-style: chr13-32341191-TA-CTTTGTGGTAAGTTT. GRCh37 (hg19) VCF-style: chr13-32915328-TA-CTTTGTGGTAAGTTT.
Other names: c.6836_6837delTAinsCTTTGTGGTAAGTTT (NM_000059.3).
Identifiers: ClinVar variation 141082 (VCV000141082.5), dbSNP rs587781480, ClinGen allele CA024478.
Genomic context (GRCh38, chr13:32,341,191, plus strand): 5'-ATGAGGAAATGGTTTTGTCAAATTCAAGAATTGGAAAAAGAAGAGGAGAGCCCCTTATCT[TA>CTTTGTGGTAAGTTT]GTGGGTAAGTGTTCATTTTTACCTTTCGTGTTGCCAATCACTATTTTTAAAGTGTTTATT-3'